The following is an entry in ClinVar:

NM_001040108.2(MLH3):c.54C>T (p.Ala18=)

Gene: MLH3 (mutL homolog 3; minus strand). Cytogenetic location: 14q24.3.
Variant type: single nucleotide variant.
Coding change: c.54C>T on transcript NM_001040108.2 (MANE Select); coding-DNA position 54, C replaced by T.
Protein change: p.Ala18=; no amino-acid change (alanine 18 retained).
Molecular consequence: synonymous variant.
Genome position (GRCh38, 1-based): chr14:75,049,602, G>A on the plus strand (C>T on the coding strand, the complement: MLH3 is on the minus strand). VCF-style: chr14-75049602-G-A. GRCh37 (hg19) VCF-style: chr14-75516305-G-A.
Other names: c.54C>T, p.Ala18= (NM_014381.3).
Identifiers: ClinVar variation 2448670 (VCV002448670.3), dbSNP rs2503338836, ClinGen allele CA487274501.

ClinVar aggregate classification (germline): Benign/Likely benign. Review status: criteria provided, multiple submitters, no conflicts (2 of 4 stars). 2 submissions from 2 submitters: Benign (1); Likely benign (1). Last evaluated 2026-04-28.

Conditions:
Colorectal cancer, hereditary nonpolyposis, type 7. Identifiers: Orphanet 144, MedGen C1858380, MONDO:0013725, OMIM 614385.

Submissions (2):

Myriad Genetics, Inc.
Classification: Benign for Colorectal cancer, hereditary nonpolyposis, type 7. Last evaluated: 2026-04-28. Review status: criteria provided, single submitter. Criteria: Myriad Autosomal Dominant, Autosomal Recessive and X-Linked Classification Criteria (2023). Collection method: clinical testing. Allele origin: unknown.
Comment: This variant is considered benign. This variant is a silent/synonymous amino acid change and it is not expected to impact splicing.

Ambry Genetics
Classification: Likely benign. Last evaluated: 2023-02-23. Review status: criteria provided, single submitter. Criteria: Ambry Variant Classification Scheme 2023. Collection method: clinical testing. Allele origin: germline.